The following is an entry in ClinVar:

NM_000321.3(RB1):c.1408A>T (p.Ile470Phe)

Gene: RB1 (RB transcriptional corepressor 1; plus strand). Cytogenetic location: 13q14.2.
Variant type: single nucleotide variant.
Coding change: c.1408A>T on transcript NM_000321.3 (MANE Select); coding-DNA position 1408, A replaced by T.
Protein change: p.Ile470Phe; replaces isoleucine 470 with phenylalanine.
Molecular consequence: missense variant.
Genome position (GRCh38, 1-based): chr13:48,380,071, A>T. VCF-style: chr13-48380071-A-T. GRCh37 (hg19) VCF-style: chr13-48954207-A-T.
Other names: c.1408A>T, p.Ile470Phe (NM_001407165.1, NM_001407166.1); short protein forms I470F.
Identifiers: ClinVar variation 2152191 (VCV002152191.5), dbSNP rs139960834, ClinGen allele CA388162709.

ClinVar aggregate classification (germline): Uncertain significance. Review status: criteria provided, multiple submitters, no conflicts (2 of 4 stars). 2 submissions from 2 submitters: Uncertain significance (2). Last evaluated 2026-05-23.

Conditions:
Hereditary cancer-predisposing syndrome. Also called: Tumor predisposition; Hereditary Cancer Syndrome; Hereditary neoplastic syndrome; Neoplastic Syndromes, Hereditary. Identifiers: Orphanet 140162, MedGen C0027672, MeSH D009386, MONDO:0015356.
Retinoblastoma (RB1). Also called: RETINOBLASTOMA, SOMATIC. Identifiers: Orphanet 790, MedGen C0035335, MeSH D012175, MONDO:0008380, OMIM 180200, HP:0009919. Disease mechanism: loss of function. Inheritance: Both sporadic and heritable forms are tested..

Submissions (2):

Ambry Genetics
Classification: Uncertain significance for Hereditary cancer-predisposing syndrome. Last evaluated: 2026-05-23. Review status: criteria provided, single submitter. Criteria: Ambry Variant Classification Scheme 2023. Collection method: clinical testing. Allele origin: germline.
Comment: The p.I470F variant (also known as c.1408A>T), located in coding exon 15 of the RB1 gene, results from an A to T substitution at nucleotide position 1408. The isoleucine at codon 470 is replaced by phenylalanine, an amino acid with highly similar properties. This amino acid position is conserved. In addition, the in silico prediction for this alteration is inconclusive. Based on the available evidence, the clinical significance of this variant remains unclear.

Labcorp Genetics (formerly Invitae), Labcorp
Classification: Uncertain significance for Retinoblastoma. Last evaluated: 2026-01-13. Review status: criteria provided, single submitter. Criteria: Invitae Variant Classification Sherloc (09022015). Collection method: clinical testing. Allele origin: germline.
Comment: This sequence change replaces isoleucine, which is neutral and non-polar, with phenylalanine, which is neutral and non-polar, at codon 470 of the RB1 protein (p.Ile470Phe). This variant is not present in population databases (gnomAD no frequency). This missense change has been observed in individual(s) with retinoblastoma (PMID: 28606269). ClinVar contains an entry for this variant (Variation ID: 2152191). Invitae Evidence Modeling of protein sequence and biophysical properties (such as structural, functional, and spatial information, amino acid conservation, physicochemical variation, residue mobility, and thermodynamic stability) indicates that this missense variant is not expected to disrupt RB1 protein function with a negative predictive value of 80%. In summary, the available evidence is currently insufficient to determine the role of this variant in disease. Therefore, it has been classified as a Variant of Uncertain Significance.

Literature cited by the submitters: PubMed 28606269 (cited by Labcorp Genetics (formerly Invitae), Labcorp).